The following is an entry in ClinVar:

ClinVar aggregate classification (germline): Uncertain significance (1 of 4 stars; one submission).

Conditions:
TUB-related disorder. Also called: TUB-related condition.

Submission:

PreventionGenetics, part of Exact Sciences
Classification: Uncertain significance for TUB-related condition. Last evaluated: 2025-09-10. Review status: criteria provided, single submitter. Criteria: ACMG Guidelines, 2015. Collection method: clinical testing. Allele origin: germline.
Comment: The TUB c.1362_1365delCTCT variant is predicted to result in a frameshift and premature protein termination (p.Ile456Alafs*10). To our knowledge, this variant has not been reported in the literature or in a large population database (gnomAD), indicating this variant is rare. At this time, the clinical significance of this variant is uncertain due to the absence of conclusive functional and genetic evidence.

NM_177972.3(TUB):c.1197_1200del (p.Ile401fs)

Genes: RIC3 (RIC3 acetylcholine receptor chaperone; minus strand), TUB (TUB bipartite transcription factor; plus strand). Cytogenetic location: 11p15.4.
Variant type: Deletion.
Coding change: c.1197_1200del on transcript NM_177972.3 (MANE Select); coding-DNA positions 1197 to 1200, 4 bases deleted (CTCT; older notation c.1197_1200delCTCT).
Protein change: p.Ile401fs; shifts the reading frame from isoleucine 401.
Molecular consequence: frameshift variant.
Genome position (GRCh38, 1-based): chr11:8,100,583-8,100,586, CTCT deleted; deleting any 4 consecutive bases within chr11:8,100,582-8,100,586 gives the same sequence; the c. name uses the placement nearest the transcript's 3' end. VCF-style (leftmost placement, unchanged base first): chr11-8100581-GTCTC-G. GRCh37 (hg19) VCF-style: chr11-8122128-GTCTC-G.
Other names: c.1215_1218del, p.Ile407fs (NM_001440538.1, NM_001440539.1); c.1047_1050del, p.Ile351fs (NM_001440540.1, NM_001440542.1); c.1029_1032del, p.Ile345fs (NM_001440541.1); c.1362_1365del, p.Ile456fs (NM_003320.5); short protein forms I345fs, I351fs, I401fs, I407fs, I456fs.
Identifiers: ClinVar variation 4987590 (VCV004987590.1).